The following is an entry in ClinVar:

ClinVar aggregate classification (germline): Pathogenic (1 of 4 stars; one submission).

Submission:

Labcorp Genetics (formerly Invitae), Labcorp
Classification: Pathogenic. Last evaluated: 2023-09-10. Review status: criteria provided, single submitter. Criteria: Invitae Variant Classification Sherloc (09022015). Collection method: clinical testing. Allele origin: germline.
Comment: For these reasons, this variant has been classified as Pathogenic. This variant has not been reported in the literature in individuals affected with DRP2-related conditions. This variant is not present in population databases (gnomAD no frequency). This sequence change creates a premature translational stop signal (p.Phe769Leufs*35) in the DRP2 gene. It is expected to result in an absent or disrupted protein product. Loss-of-function variants in DRP2 are known to be pathogenic (PMID: 22764250, 26227883).

Literature cited by the submitters: PubMed 22764250; PubMed 26227883.

NM_001939.3(DRP2):c.2307del (p.Phe769fs)

Gene: DRP2 (dystrophin related protein 2; plus strand). Cytogenetic location: Xq22.1.
Variant type: Deletion.
Coding change: c.2307del on transcript NM_001939.3 (MANE Select); coding-DNA position 2307, one base deleted (T; older notation c.2307delT).
Protein change: p.Phe769fs; shifts the reading frame from phenylalanine 769.
Molecular consequence: frameshift variant.
Genome position (GRCh38, 1-based): chrX:101,256,178, T deleted; the last of 3 consecutive T bases (chrX:101,256,176-101,256,178); deleting any one gives the same sequence. VCF-style (leftmost placement, unchanged base first): chrX-101256175-CT-C. GRCh37 (hg19) VCF-style: chrX-100511164-CT-C.
Other names: c.2073del, p.Phe691fs (NM_001171184.2); short protein forms F769fs, F691fs.
Identifiers: ClinVar variation 2792806 (VCV002792806.3), dbSNP rs2520291201, ClinGen allele CA2694285413.